The following is an entry in ClinVar:

ClinVar aggregate classification (germline): Pathogenic (1 of 4 stars; one submission).

Conditions:
Congenital myotonia, autosomal dominant form (THD). Also called: THOMSEN DISEASE; Myotonia congenita autosomal dominant. Identifiers: Orphanet 614, MedGen C2936781, MONDO:0008055, OMIM 160800.
Congenital myotonia, autosomal recessive form. Also called: BECKER DISEASE; Becker Generalized Myotonia; myotonia congenita, autosomal recessive. Identifiers: Orphanet 614, MedGen C0751360, MONDO:0009715, OMIM 255700.

Submission:

Labcorp Genetics (formerly Invitae), Labcorp
Classification: Pathogenic for Congenital myotonia, autosomal recessive form; Congenital myotonia, autosomal dominant form. Last evaluated: 2023-12-01. Review status: criteria provided, single submitter. Criteria: Invitae Variant Classification Sherloc (09022015). Collection method: clinical testing. Allele origin: germline.
Comment: This sequence change creates a premature translational stop signal (p.Glu871Glyfs*52) in the CLCN1 gene. While this is not anticipated to result in nonsense mediated decay, it is expected to disrupt the last 118 amino acid(s) of the CLCN1 protein. This variant is not present in population databases (gnomAD no frequency). This variant has not been reported in the literature in individuals affected with CLCN1-related conditions. This variant disrupts a region of the CLCN1 protein in which other variant(s) (p.Gly945Argfs*39) have been determined to be pathogenic (PMID: 18337100; Invitae). This suggests that this is a clinically significant region of the protein, and that variants that disrupt it are likely to be disease-causing. For these reasons, this variant has been classified as Pathogenic.

Literature cited by the submitters: PubMed 18337100.

NM_000083.3(CLCN1):c.2612del (p.Glu871fs)

Gene: CLCN1 (chloride voltage-gated channel 1; plus strand). Cytogenetic location: 7q34.
Variant type: Deletion.
Coding change: c.2612del on transcript NM_000083.3 (MANE Select); coding-DNA position 2612, one base deleted (A; older notation c.2612delA).
Protein change: p.Glu871fs; shifts the reading frame from glutamic acid 871.
Molecular consequence: frameshift variant. On other transcripts: non-coding transcript variant (1).
Genome position (GRCh38, 1-based): chr7:143,351,610, A deleted. VCF-style (leftmost placement, unchanged base first): chr7-143351609-GA-G. GRCh37 (hg19) VCF-style: chr7-143048702-GA-G.
Other names: short protein forms E871fs.
Identifiers: ClinVar variation 2939670 (VCV002939670.3), dbSNP rs2485448093, ClinGen allele CA2740094941.
Genomic context (GRCh38, chr7:143,351,609, plus strand): 5'-TTTTTCCAACTTTTTACCCTCTTTTCCTTTCCCACTGCTCTTCAGCTACAGAAGGCCATT[GA>G]GGGGCACACCAAGTCTGGGGTGCAGCTCCGCCCTCCCCTTGCCAGCTTCCGGAACACGAC-3'